The following is an entry in ClinVar:

ClinVar aggregate classification (germline): Benign/Likely benign. Review status: criteria provided, multiple submitters, no conflicts (2 of 4 stars). 6 submissions from 6 submitters: Benign (1); Likely benign (3). 2 of the submissions do not count toward it. Last evaluated 2026-02-03.

Conditions:
Kabuki syndrome. Also called: NIIKAWA-KUROKI SYNDROME; Kabuki make-up syndrome. Identifiers: Orphanet 2322, MedGen C0796004, MONDO:0016512.

Allele frequency attached by ClinVar (database versions not stated): gnomAD exomes 0.00022 and 0.00044; TOPMed 0.00023; gnomAD 0.00025 and 0.00029; ESP Exome Variant Server 0.00041; ExAC 0.00042.
gnomAD v4.1: 379 of 1,611,460 alleles (0.024%); highest among the groups gnomAD compares: Admixed American, 0.0067%; 1 homozygote.

Submissions (6):

Labcorp Genetics (formerly Invitae), Labcorp
Classification: Benign for Kabuki syndrome. Last evaluated: 2026-02-03. Review status: criteria provided, single submitter. Criteria: Invitae Variant Classification Sherloc (09022015). Collection method: clinical testing. Allele origin: germline.

Laboratory of Genetics, Children's Clinical University Hospital Latvia
Classification: Likely benign. Last evaluated: 2025-02-16. Review status: criteria provided, single submitter. Criteria: ACMG Guidelines, 2015. Collection method: clinical testing. Allele origin: germline. Affected: yes.

Blueprint Genetics
Classification: Likely benign. Last evaluated: 2024-11-22. Review status: criteria provided, single submitter. Criteria: ACMG Guidelines, 2015. Collection method: clinical testing. Allele origin: germline.

CeGaT Center for Human Genetics Tuebingen
Classification: Likely benign. Last evaluated: 2022-08-01. Review status: criteria provided, single submitter. Criteria: CeGaT Center For Human Genetics Tuebingen Variant Classification Criteria Version 2. Collection method: clinical testing. Allele origin: germline. Affected: yes. Observed: 1 variant allele.
Comment: KMT2D: BP4, BP7

Clinical Genetics DNA and cytogenetics Diagnostics Lab, Erasmus MC, Erasmus Medical Center
Classification: Likely benign. Review status: no assertion criteria provided. Collection method: clinical testing. Allele origin: germline. Affected: yes. Study: VKGL Data-share Consensus. Not counted in ClinVar's aggregate classification.

Genome Diagnostics Laboratory, University Medical Center Utrecht
Classification: Likely benign. Review status: no assertion criteria provided. Collection method: clinical testing. Allele origin: germline. Affected: yes. Study: VKGL Data-share Consensus. Not counted in ClinVar's aggregate classification.

NM_003482.4(KMT2D):c.14202C>T (p.Asp4734=)

Gene: KMT2D (lysine methyltransferase 2D; minus strand). Cytogenetic location: 12q13.12.
Variant type: single nucleotide variant.
Coding change: c.14202C>T on transcript NM_003482.4 (MANE Select); coding-DNA position 14202, C replaced by T.
Protein change: p.Asp4734=; no amino-acid change (aspartic acid 4734 retained).
Molecular consequence: synonymous variant.
Genome position (GRCh38, 1-based): chr12:49,029,110, G>A on the plus strand (C>T on the coding strand, the complement: KMT2D is on the minus strand). VCF-style: chr12-49029110-G-A. GRCh37 (hg19) VCF-style: chr12-49422893-G-A.
Identifiers: ClinVar variation 309008 (VCV000309008.39), dbSNP rs200979074, ClinGen allele CA6545808.
Genomic context (GRCh38, chr12:49,029,110, plus strand): 5'-GTAGCACATACCTGGGATGCTGGCCCGAGGAATGAGGGGGATGACAGGGGAGAGGGCCCG[G>A]TCCTCTTGCTCCCACCGGCCTGAGCCCAGATGAGGGAAACGAGGGGCCTCCTCCCCCAAG-3'
Protein context (NP_003473.3, residues 4724-4744): HLGSGRWEQE[Asp4734=]RALSPVIPLI